The following is an entry in ClinVar:

ClinVar aggregate classification (germline): Uncertain significance. Review status: criteria provided, single submitter (1 of 4 stars). 2 submissions from 2 submitters: Uncertain significance (1). 1 of the submissions does not count toward it. Last evaluated 2023-11-03.

Conditions:
UGT1A1-related disorder. Also called: UGT1A1-related condition; UGT1A1-related disorders.

Allele frequency attached by ClinVar (database versions not stated): gnomAD 0.00001 and 0.00003; TOPMed 0.00002; gnomAD exomes 0.00003; ExAC 0.00007; 1000 Genomes Project 30x 0.00047; 1000 Genomes Project 0.00060.
gnomAD v4.1: 34 of 1,614,136 alleles (0.0021%); highest among the groups gnomAD compares: South Asian, 0.029%; 1 homozygote.

Submissions (2):

Labcorp Genetics (formerly Invitae), Labcorp
Classification: Uncertain significance. Last evaluated: 2023-11-03. Review status: criteria provided, single submitter. Criteria: Invitae Variant Classification Sherloc (09022015). Collection method: clinical testing. Allele origin: germline.
Comment: This sequence change replaces arginine, which is basic and polar, with glutamine, which is neutral and polar, at codon 523 of the UGT1A1 protein (p.Arg523Gln). This variant is present in population databases (rs577014868, gnomAD 0.02%). This variant has not been reported in the literature in individuals affected with UGT1A1-related conditions. ClinVar contains an entry for this variant (Variation ID: 1481063). Algorithms developed to predict the effect of missense changes on protein structure and function output the following: SIFT: "Not Available"; PolyPhen-2: "Benign"; Align-GVGD: "Not Available". The glutamine amino acid residue is found in multiple mammalian species, which suggests that this missense change does not adversely affect protein function. In summary, the available evidence is currently insufficient to determine the role of this variant in disease. Therefore, it has been classified as a Variant of Uncertain Significance.

PreventionGenetics, part of Exact Sciences
Classification: Uncertain significance for UGT1A1-related condition. Last evaluated: 2023-12-24. Review status: no assertion criteria provided. Collection method: clinical testing. Allele origin: germline. Not counted in ClinVar's aggregate classification.
Comment: The UGT1A1 c.1568G>A variant is predicted to result in the amino acid substitution p.Arg523Gln. To our knowledge, this variant has not been reported in the literature. This variant is reported in 0.023% of alleles in individuals of South Asian descent in gnomAD. At this time, the clinical significance of this variant is uncertain due to the absence of conclusive functional and genetic evidence.

NM_000463.3(UGT1A1):c.1568G>A (p.Arg523Gln)

Genes: UGT1A8 (UDP glucuronosyltransferase family 1 member A8; plus strand), UGT1A9 (UDP glucuronosyltransferase family 1 member A9; plus strand), UGT1A6 (UDP glucuronosyltransferase family 1 member A6; plus strand), UGT1A7 (UDP glucuronosyltransferase family 1 member A7; plus strand), UGT1A5 (UDP glucuronosyltransferase family 1 member A5; plus strand) and 5 more. Cytogenetic location: 2q37.1.
Variant type: single nucleotide variant.
Coding change: c.1568G>A on transcript NM_000463.3 (MANE Select); coding-DNA position 1568, G replaced by A.
Protein change: p.Arg523Gln; replaces arginine 523 with glutamine.
Molecular consequence: missense variant.
Genome position (GRCh38, 1-based): chr2:233,772,525, G>A. VCF-style: chr2-233772525-G-A. GRCh37 (hg19) VCF-style: chr2-234681171-G-A.
Other names: c.1559G>A, p.Arg520Gln (NM_019075.4, NM_019076.5, NM_019077.3 and 1 more transcripts); c.1565G>A, p.Arg522Gln (NM_001072.4); c.764G>A, p.Arg255Gln (NM_205862.3); c.1571G>A, p.Arg524Gln (NM_019078.2, NM_007120.3, NM_019093.4); short protein forms R255Q, R523Q, R520Q, R522Q, R524Q.
Identifiers: ClinVar variation 1481063 (VCV001481063.8), dbSNP rs577014868, ClinGen allele CA2180162.